The following is an entry in ClinVar:

ClinVar aggregate classification (germline): Uncertain significance. Review status: criteria provided, multiple submitters, no conflicts (2 of 4 stars). 4 submissions from 4 submitters: Uncertain significance (2). 2 of the submissions do not count toward it. Last evaluated 2026-01-28.

Conditions:
Dilated cardiomyopathy 1W (CMD1W). Identifiers: Orphanet 154, MedGen C1969639, MONDO:0012667, OMIM 611407.
Hypertrophic cardiomyopathy 15. Identifiers: MedGen C2750459, MONDO:0013200, OMIM 613255.

Allele frequency attached by ClinVar (database versions not stated): gnomAD exomes below 0.00001; gnomAD 0.00001; TOPMed 0.00001.

Submissions (4):

Labcorp Genetics (formerly Invitae), Labcorp
Classification: Uncertain significance for Dilated cardiomyopathy 1W. Last evaluated: 2026-01-28. Review status: criteria provided, single submitter. Criteria: Invitae Variant Classification Sherloc (09022015). Collection method: clinical testing. Allele origin: germline.
Comment: This sequence change replaces glutamic acid, which is acidic and polar, with lysine, which is basic and polar, at codon 950 of the VCL protein (p.Glu950Lys). This variant is present in population databases (no rsID available, gnomAD 0.007%). This missense change has been observed in individual(s) with cardiomyopathy (PMID: 29540472, 32880476). ClinVar contains an entry for this variant (Variation ID: 964925). An algorithm developed to predict the effect of missense changes on protein structure and function (PolyPhen-2) suggests that this variant is likely to be tolerated. In summary, the available evidence is currently insufficient to determine the role of this variant in disease. Therefore, it has been classified as a Variant of Uncertain Significance.

Department of Pathology and Laboratory Medicine, Sinai Health System
Classification: Uncertain significance for Dilated cardiomyopathy 1W; Hypertrophic cardiomyopathy 15. Last evaluated: 2023-04-11. Review status: criteria provided, single submitter. Criteria: ACMG Guidelines, 2015. Collection method: research. Allele origin: germline.

Genome Diagnostics Laboratory, University Medical Center Utrecht
Classification: Uncertain significance. Review status: no assertion criteria provided. Collection method: clinical testing. Allele origin: germline. Affected: yes. Study: VKGL Data-share Consensus. Not counted in ClinVar's aggregate classification.

Joint Genome Diagnostic Labs from Nijmegen and Maastricht, Radboudumc and MUMC+
Classification: Uncertain significance. Review status: no assertion criteria provided. Collection method: clinical testing. Allele origin: germline. Affected: yes. Study: VKGL Data-share Consensus. Not counted in ClinVar's aggregate classification.

Literature cited by the submitters: PubMed 29540472 (cited by Labcorp Genetics (formerly Invitae), Labcorp); PubMed 32880476 (cited by Labcorp Genetics (formerly Invitae), Labcorp).

NM_014000.3(VCL):c.2848G>A (p.Glu950Lys)

Gene: VCL (vinculin; plus strand). Cytogenetic location: 10q22.2.
Variant type: single nucleotide variant.
Coding change: c.2848G>A on transcript NM_014000.3 (MANE Select); coding-DNA position 2848, G replaced by A.
Protein change: p.Glu950Lys; replaces glutamic acid 950 with lysine.
Molecular consequence: missense variant. On other transcripts: intron variant (1).
Genome position (GRCh38, 1-based): chr10:74,112,011, G>A. VCF-style: chr10-74112011-G-A. GRCh37 (hg19) VCF-style: chr10-75871769-G-A.
Other names: c.2746-2173G>A (NM_003373.4); short protein forms E950K.
Identifiers: ClinVar variation 964925 (VCV000964925.12), dbSNP rs1174019524, ClinGen allele CA377264731.